The following is an entry in ClinVar:

NM_014000.3(VCL):c.2929G>C (p.Ala977Pro)

Gene: VCL (vinculin; plus strand). Cytogenetic location: 10q22.2.
Variant type: single nucleotide variant.
Coding change: c.2929G>C on transcript NM_014000.3 (MANE Select); coding-DNA position 2929, G replaced by C.
Protein change: p.Ala977Pro; replaces alanine 977 with proline.
Molecular consequence: missense variant. On other transcripts: intron variant (1).
Genome position (GRCh38, 1-based): chr10:74,112,092, G>C. VCF-style: chr10-74112092-G-C. GRCh37 (hg19) VCF-style: chr10-75871850-G-C.
Other names: c.2746-2092G>C (NM_003373.4); short protein forms A977P.
Identifiers: ClinVar variation 1797776 (VCV001797776.2), dbSNP rs1302077212, ClinGen allele CA377264890.

ClinVar aggregate classification (germline): Uncertain significance (1 of 4 stars; one submission).

Conditions:
Cardiovascular phenotype. Identifiers: MedGen CN230736.

Allele frequency attached by ClinVar (database versions not stated): gnomAD exomes below 0.00001; TOPMed below 0.00001.
gnomAD v4.1: 1 of 1,614,196 alleles (0.000062%); highest among the groups gnomAD compares: East Asian, 0.0022%; no homozygotes.

Submission:

Ambry Genetics
Classification: Uncertain significance for Cardiovascular phenotype. Last evaluated: 2022-09-28. Review status: criteria provided, single submitter. Criteria: Ambry Variant Classification Scheme 2023. Collection method: clinical testing. Allele origin: germline.
Comment: The p.A977P variant (also known as c.2929G>C), located in coding exon 19 of the VCL gene, results from a G to C substitution at nucleotide position 2929. The alanine at codon 977 is replaced by proline, an amino acid with highly similar properties. This amino acid position is conserved. In addition, the in silico prediction for this alteration is inconclusive. Since supporting evidence is limited at this time, the clinical significance of this alteration remains unclear.